The following is an entry in ClinVar:

ClinVar aggregate classification (germline): Uncertain significance. Review status: criteria provided, multiple submitters, no conflicts (2 of 4 stars). 2 submissions from 2 submitters: Uncertain significance (2). Last evaluated 2026-01-26.

Conditions:
Baller-Gerold syndrome (BGS). Also called: CRANIOSYNOSTOSIS WITH RADIAL DEFECTS. Identifiers: Orphanet 1225, MedGen C0265308, MONDO:0009039, OMIM 218600.

Allele frequency attached by ClinVar (database versions not stated): ExAC 0.00001; gnomAD exomes 0.00001; TOPMed 0.00006; gnomAD 0.00010 and 0.00011.
gnomAD v4.1: 25 of 1,612,222 alleles (0.0016%); highest among the groups gnomAD compares: African/African-American, 0.033%; no homozygotes.

Submissions (2):

Labcorp Genetics (formerly Invitae), Labcorp
Classification: Uncertain significance for Baller-Gerold syndrome. Last evaluated: 2026-01-26. Review status: criteria provided, single submitter. Criteria: Invitae Variant Classification Sherloc (09022015). Collection method: clinical testing. Allele origin: germline.
Comment: This sequence change falls in intron 19 of the RECQL4 gene. It does not directly change the encoded amino acid sequence of the RECQL4 protein. This variant is present in population databases (rs746656592, gnomAD 0.03%). This variant has not been reported in the literature in individuals affected with RECQL4-related conditions. ClinVar contains an entry for this variant (Variation ID: 528946). Algorithms developed to predict the effect of sequence changes on RNA splicing suggest that this variant may disrupt the consensus splice site. In summary, the available evidence is currently insufficient to determine the role of this variant in disease. Therefore, it has been classified as a Variant of Uncertain Significance.

Genetic Services Laboratory, University of Chicago
Classification: Uncertain significance. Last evaluated: 2021-07-29. Review status: criteria provided, single submitter. Criteria: ACMG Guidelines, 2015. Collection method: clinical testing. Allele origin: germline. Affected: no.

NM_004260.4(RECQL4):c.3394-9T>G

Gene: RECQL4 (RecQ like helicase 4; minus strand). Cytogenetic location: 8q24.3.
Variant type: single nucleotide variant.
Coding change: c.3394-9T>G on transcript NM_004260.4 (MANE Select); 9 bases into the intron before coding-DNA position 3394, T replaced by G.
Molecular consequence: intron variant.
Genome position (GRCh38, 1-based): chr8:144,511,798, A>C on the plus strand (T>G on the coding strand, the complement: RECQL4 is on the minus strand). VCF-style: chr8-144511798-A-C. GRCh37 (hg19) VCF-style: chr8-145737181-A-C.
Identifiers: ClinVar variation 528946 (VCV000528946.11), dbSNP rs746656592, ClinGen allele CA4947756.
Genomic context (GRCh38, chr8:144,511,798, plus strand): 5'-GGGACAGGAACTGGCGGATGTCGCAGCGGACCTGGTCCTCCCAATCCTGGAGCTGTGTGG[A>C]CAGGCACATCAGGCTTCCTCTGAGCTCCCGTGGCACTGCATCCACAGAGCAAGCCCCATG-3'